The following is an entry in ClinVar:

NM_000452.3(SLC10A2):c.770C>T (p.Thr257Met)

Gene: SLC10A2 (solute carrier family 10 member 2; minus strand). Cytogenetic location: 13q33.1.
Variant type: single nucleotide variant.
Coding change: c.770C>T on transcript NM_000452.3 (MANE Select); coding-DNA position 770, C replaced by T.
Protein change: p.Thr257Met; replaces threonine 257 with methionine.
Molecular consequence: missense variant.
Genome position (GRCh38, 1-based): chr13:103,049,438, G>A on the plus strand (C>T on the coding strand, the complement: SLC10A2 is on the minus strand). VCF-style: chr13-103049438-G-A. GRCh37 (hg19) VCF-style: chr13-103701788-G-A.
Other names: c.770C>T (NM_000452.2); short protein forms T257M.
Identifiers: ClinVar variation 2177058 (VCV002177058.5), dbSNP rs145541774, ClinGen allele CA7042048.

ClinVar aggregate classification (germline): Uncertain significance. Review status: criteria provided, single submitter (1 of 4 stars). 2 submissions from 2 submitters: Uncertain significance (1). 1 of the submissions does not count toward it. Last evaluated 2025-12-06.

Conditions:
SLC10A2-related disorder. Also called: SLC10A2-related condition.

Allele frequency attached by ClinVar (database versions not stated): gnomAD exomes 0.00009; ExAC 0.00012; TOPMed 0.00013; gnomAD 0.00014; ESP Exome Variant Server 0.00015; 1000 Genomes Project 0.00020; 1000 Genomes Project 30x 0.00031.
gnomAD v4.1: 149 of 1,613,822 alleles (0.0092%); highest among the groups gnomAD compares: East Asian, 0.051%; no homozygotes.

Submissions (2):

Labcorp Genetics (formerly Invitae), Labcorp
Classification: Uncertain significance. Last evaluated: 2025-12-06. Review status: criteria provided, single submitter. Criteria: Invitae Variant Classification Sherloc (09022015). Collection method: clinical testing. Allele origin: germline.
Comment: This sequence change replaces threonine, which is neutral and polar, with methionine, which is neutral and non-polar, at codon 257 of the SLC10A2 protein (p.Thr257Met). This variant is present in population databases (rs145541774, gnomAD 0.04%). This variant has not been reported in the literature in individuals affected with SLC10A2-related conditions. ClinVar contains an entry for this variant (Variation ID: 2177058). Invitae Evidence Modeling of protein sequence and biophysical properties (such as structural, functional, and spatial information, amino acid conservation, physicochemical variation, residue mobility, and thermodynamic stability) indicates that this missense variant is expected to disrupt SLC10A2 protein function with a positive predictive value of 80%. In summary, the available evidence is currently insufficient to determine the role of this variant in disease. Therefore, it has been classified as a Variant of Uncertain Significance.

PreventionGenetics, part of Exact Sciences
Classification: Uncertain significance for SLC10A2-related condition. Last evaluated: 2024-07-03. Review status: no assertion criteria provided. Collection method: clinical testing. Allele origin: germline. Not counted in ClinVar's aggregate classification.
Comment: The SLC10A2 c.770C>T variant is predicted to result in the amino acid substitution p.Thr257Met. To our knowledge, this variant has not been reported in the literature. This variant is reported in 0.048% of alleles in individuals of African descent in gnomAD. At this time, the clinical significance of this variant is uncertain due to the absence of conclusive functional and genetic evidence.